The following is an entry in ClinVar:

ClinVar aggregate classification (germline): Pathogenic (1 of 4 stars; one submission).

Conditions:
Atrioventricular septal defect 4 (AVSD4). Identifiers: MedGen C3280781, MONDO:0013747, OMIM 614430.
Atrial septal defect 2 (ASD2). Identifiers: Orphanet 1478, MedGen C1842778, MONDO:0011938, OMIM 607941.
Ventricular septal defect 1 (VSD1). Identifiers: MedGen C3280777, MONDO:0013746, OMIM 614429.

Submission:

Labcorp Genetics (formerly Invitae), Labcorp
Classification: Pathogenic for Atrioventricular septal defect 4. Last evaluated: 2021-07-21. Review status: criteria provided, single submitter. Criteria: Invitae Variant Classification Sherloc (09022015). Collection method: clinical testing. Allele origin: germline.
Comment: This sequence change creates a premature translational stop signal (p.Tyr18*) in the GATA4 gene. It is expected to result in an absent or disrupted protein product. Loss-of-function variants in GATA4 are known to be pathogenic (PMID: 12845333, 15235040). This variant is not present in population databases (ExAC no frequency). This variant has not been reported in the literature in individuals affected with GATA4-related conditions. Algorithms developed to predict the effect of sequence changes on RNA splicing suggest that this variant may create or strengthen a splice site. For these reasons, this variant has been classified as Pathogenic.

Literature cited by the submitters: PubMed 12845333 (cited by Labcorp Genetics (formerly Invitae), Labcorp); PubMed 15235040 (cited by Labcorp Genetics (formerly Invitae), Labcorp).

NM_001308093.3(GATA4):c.54C>G (p.Tyr18Ter)

Gene: GATA4 (GATA binding protein 4). Cytogenetic location: 8p23.1.
Variant type: single nucleotide variant.
Coding change: c.54C>G on transcript NM_001308093.3 (MANE Select); coding-DNA position 54, C replaced by G.
Protein change: p.Tyr18Ter; replaces tyrosine 18 with a stop codon.
Molecular consequence: nonsense. On other transcripts: intron variant (3).
Genome position (GRCh38, 1-based): chr8:11,708,366, C>G. VCF-style: chr8-11708366-C-G. GRCh37 (hg19) VCF-style: chr8-11565875-C-G.
Other names: c.54C>G, p.Tyr18Ter (NM_002052.5); c.-6+7588C>G (NM_001308094.2); c.-3+352C>G (NM_001374274.1); c.-3+4062C>G (NM_001374273.1); short protein forms Y18*.
Identifiers: ClinVar variation 1452170 (VCV001452170.7), dbSNP rs1799991762, ClinGen allele CA370308653.
Genomic context (GRCh38, chr8:11,708,366, plus strand): 5'-AGGGACCATGTATCAGAGCTTGGCCATGGCCGCCAACCACGGGCCGCCCCCCGGTGCCTA[C>G]GAGGCGGGCGGCCCCGGCGCCTTCATGCACGGCGCGGGCGCCGCGTCCTCGCCAGTCTAC-3'